The following is an entry in ClinVar:

ClinVar aggregate classification (germline): Uncertain significance (1 of 4 stars; one submission).

Conditions:
Aortic aneurysm, familial thoracic 8 (AAT8). Identifiers: MedGen C3809513, MONDO:0014187, OMIM 615436.

Allele frequency attached by ClinVar (database versions not stated): TOPMed below 0.00001.

Submission:

Labcorp Genetics (formerly Invitae), Labcorp
Classification: Uncertain significance for Aortic aneurysm, familial thoracic 8. Last evaluated: 2022-07-13. Review status: criteria provided, single submitter. Criteria: Invitae Variant Classification Sherloc (09022015). Collection method: clinical testing. Allele origin: germline.
Comment: This sequence change replaces glutamine, which is neutral and polar, with arginine, which is basic and polar, at codon 69 of the PRKG1 protein (p.Gln69Arg). This variant is not present in population databases (gnomAD no frequency). This variant has not been reported in the literature in individuals affected with PRKG1-related conditions. Algorithms developed to predict the effect of missense changes on protein structure and function are either unavailable or do not agree on the potential impact of this missense change (SIFT: "Deleterious"; PolyPhen-2: "Benign"; Align-GVGD: "Class C0"). In summary, the available evidence is currently insufficient to determine the role of this variant in disease. Therefore, it has been classified as a Variant of Uncertain Significance.

NM_006258.4(PRKG1):c.206A>G (p.Gln69Arg)

Gene: PRKG1 (protein kinase cGMP-dependent 1; plus strand). Cytogenetic location: 10q11.23.
Variant type: single nucleotide variant.
Coding change: c.206A>G on transcript NM_006258.4 (MANE Select); coding-DNA position 206, A replaced by G.
Protein change: p.Gln69Arg; replaces glutamine 69 with arginine.
Molecular consequence: missense variant. On other transcripts: intron variant (1).
Genome position (GRCh38, 1-based): chr10:51,074,796, A>G. VCF-style: chr10-51074796-A-G. GRCh37 (hg19) VCF-style: chr10-52834556-A-G.
Other names: c.206A>G, p.Gln69Arg (NM_001374782.1); c.267-78368A>G (NM_001098512.3); short protein forms Q69R.
Identifiers: ClinVar variation 2125526 (VCV002125526.4), dbSNP rs1343042344, ClinGen allele CA376827029.